The following is an entry in ClinVar:

ClinVar aggregate classification (germline): Uncertain significance (1 of 4 stars; one submission).

Conditions:
Familial focal epilepsy with variable foci (FPEVF). Identifiers: Orphanet 98820, MedGen C1858477, MONDO:0020310.

Submission:

Labcorp Genetics (formerly Invitae), Labcorp
Classification: Uncertain significance for Familial focal epilepsy with variable foci. Last evaluated: 2025-09-08. Review status: criteria provided, single submitter. Criteria: Invitae Variant Classification Sherloc (09022015). Collection method: clinical testing. Allele origin: germline.
Comment: This sequence change replaces glycine, which is neutral and non-polar, with valine, which is neutral and non-polar, at codon 1152 of the DEPDC5 protein (p.Gly1152Val). This variant is not present in population databases (gnomAD no frequency). This variant has not been reported in the literature in individuals affected with DEPDC5-related conditions. ClinVar contains an entry for this variant (Variation ID: 1467867). Experimental studies and prediction algorithms are not available or were not evaluated, and the functional significance of this variant is currently unknown. In summary, the available evidence is currently insufficient to determine the role of this variant in disease. Therefore, it has been classified as a Variant of Uncertain Significance.

NM_001242896.3(DEPDC5):c.3455G>T (p.Gly1152Val)

Gene: DEPDC5 (DEP domain containing 5, GATOR1 subcomplex subunit; plus strand). Cytogenetic location: 22q12.3.
Variant type: single nucleotide variant.
Coding change: c.3455G>T on transcript NM_001242896.3 (MANE Select); coding-DNA position 3455, G replaced by T.
Protein change: p.Gly1152Val; replaces glycine 1152 with valine.
Molecular consequence: missense variant. On other transcripts: non-coding transcript variant (5).
Genome position (GRCh38, 1-based): chr22:31,870,714, G>T. VCF-style: chr22-31870714-G-T. GRCh37 (hg19) VCF-style: chr22-32266700-G-T.
Other names: c.3428G>T, p.Gly1143Val (NM_001136029.4); c.3155G>T, p.Gly1052Val (NM_001242897.2); c.3389G>T, p.Gly1130Val (NM_001363852.2, NM_001364320.2); c.3221G>T, p.Gly1074Val (NM_001363854.2, NM_001364319.2); c.3455G>T, p.Gly1152Val (NM_001364318.2); c.3371G>T, p.Gly1124Val (NM_001369901.1, NM_001369902.1); c.3362G>T, p.Gly1121Val (NM_001369903.1, NM_014662.6); short protein forms G1124V, G1130V, G1143V, G1052V, G1074V, G1121V, G1152V.
Identifiers: ClinVar variation 1467867 (VCV001467867.6), dbSNP rs2149231484, ClinGen allele CA411296870.
Genomic context (GRCh38, chr22:31,870,714, plus strand): 5'-AATCCATGGACAGAGGCAACAGCCAGACCTTTGGGAACTCCCAGAACATAGGAGAACAGG[G>T]CTACTCCTCCACAAACTCCAGTGACAGCAGGTGAGATTCAGAGTGGCCAAACTCATGTTC-3'
Protein context (NP_001229825.1, residues 1142-1162): FGNSQNIGEQ[Gly1152Val]YSSTNSSDSS